The following is an entry in ClinVar:

Conditions:
Long QT syndrome 5 (LQT5). Identifiers: Orphanet 101016, Orphanet 768, MedGen C1867904, MONDO:0013372, OMIM 613695.

Submission:

Roden Lab, Vanderbilt University Medical Center
No classification provided (evidence only). Condition: Long QT syndrome 5. Review status: no classification provided. Collection method: in vitro. Allele origin: not applicable. Functional consequence: Effect on ion channel function.
ClinVar note: "not provided" was previously submitted as the classification for the variant. However, the classification appeared to be based only on an observation of functional data so it was converted to no classification on 2025-07-30.

NM_000219.6(KCNE1):c.273C>T (p.Asp91=)

Gene: KCNE1 (potassium voltage-gated channel subfamily E regulatory subunit 1; minus strand). Cytogenetic location: 21q22.12.
Variant type: single nucleotide variant.
Coding change: c.273C>T on transcript NM_000219.6 (MANE Select); coding-DNA position 273, C replaced by T.
Protein change: p.Asp91=; no amino-acid change (aspartic acid 91 retained).
Molecular consequence: synonymous variant.
Genome position (GRCh38, 1-based): chr21:34,449,362, G>A on the plus strand (C>T on the coding strand, the complement: KCNE1 is on the minus strand). VCF-style: chr21-34449362-G-A. GRCh37 (hg19) VCF-style: chr21-35821660-G-A.
Other names: c.273C>T, p.Asp91= (NM_001127668.4, NM_001127669.4, NM_001127670.4 and 4 more transcripts).
Identifiers: ClinVar variation 3374500 (VCV003374500.2).